The following is an entry in ClinVar:

ClinVar aggregate classification (germline): Likely benign. Review status: criteria provided, multiple submitters, no conflicts (2 of 4 stars). 3 submissions from 3 submitters: Likely benign (3). Last evaluated 2026-01-01.

Conditions:
RYR1-related disorder. Also called: RYR1-related disorders; RYR1-related condition. Identifiers: MedGen CN239331.
Malignant hyperthermia, susceptibility to, 1 (MHS1). Also called: RYR1-Related Malignant Hyperthermia Susceptibility; Anesthesia related hyperthermia; Malignant hyperpyrexia; Fulminating hyperpyrexia; Pharmacogenic myopathy; Malignant hyperthermia suceptibility 1. Identifiers: Orphanet 423, MedGen C2930980, MONDO:0007783, OMIM 145600.

Allele frequency attached by ClinVar (database versions not stated): gnomAD exomes below 0.00001; gnomAD 0.00001; TOPMed 0.00003.
gnomAD v4.1: 6 of 1,551,160 alleles (0.00039%); highest among the groups gnomAD compares: Admixed American, 0.0017%; no homozygotes.

Submissions (3):

CeGaT Center for Human Genetics Tuebingen
Classification: Likely benign. Last evaluated: 2026-01-01. Review status: criteria provided, single submitter. Criteria: CeGaT Center For Human Genetics Tuebingen Variant Classification Criteria Version 2. Collection method: clinical testing. Allele origin: germline. Affected: yes. Observed: 2 variant alleles.
Comment: RYR1: BP4, BP7

All of Us Research Program, National Institutes of Health
Classification: Likely benign for Malignant hyperthermia, susceptibility to, 1. Last evaluated: 2023-11-20. Review status: criteria provided, single submitter. Criteria: ACMG Guidelines, 2015. Collection method: clinical testing. Allele origin: germline. Inheritance: Autosomal dominant inheritance. Observed: 1 variant allele, 1 heterozygote.
Comment: This study involves interpretation of variants in research participants for the purpose of population health screening. Participant phenotype was not available at the time of variant classification. Additional details can be found in publication PMID: 35346344, PMCID: PMC8962531

Labcorp Genetics (formerly Invitae), Labcorp
Classification: Likely benign for RYR1-related disorder. Last evaluated: 2023-10-22. Review status: criteria provided, single submitter. Criteria: Invitae Variant Classification Sherloc (09022015). Collection method: clinical testing. Allele origin: germline.

NM_000540.3(RYR1):c.7818C>T (p.Cys2606=)

Gene: RYR1 (ryanodine receptor 1; plus strand). Cytogenetic location: 19q13.2.
Variant type: single nucleotide variant.
Coding change: c.7818C>T on transcript NM_000540.3 (MANE Select); coding-DNA position 7818, C replaced by T.
Protein change: p.Cys2606=; no amino-acid change (cysteine 2606 retained).
Molecular consequence: synonymous variant.
Genome position (GRCh38, 1-based): chr19:38,502,710, C>T. VCF-style: chr19-38502710-C-T. GRCh37 (hg19) VCF-style: chr19-38993350-C-T.
Other names: c.7818C>T, p.Cys2606= (NM_001042723.2).
Identifiers: ClinVar variation 2177250 (VCV002177250.9), dbSNP rs1419150411, ClinGen allele CA082669.